The following is an entry in ClinVar:

ClinVar aggregate classification (germline): Uncertain significance (1 of 4 stars; one submission).

Conditions:
Hereditary cancer-predisposing syndrome. Also called: Tumor predisposition; Hereditary Cancer Syndrome; Neoplastic Syndromes, Hereditary; Hereditary neoplastic syndrome. Identifiers: Orphanet 140162, MedGen C0027672, MeSH D009386, MONDO:0015356.

Submission:

Ambry Genetics
Classification: Uncertain significance for Hereditary cancer-predisposing syndrome. Last evaluated: 2025-05-03. Review status: criteria provided, single submitter. Criteria: Ambry Variant Classification Scheme 2023. Collection method: clinical testing. Allele origin: germline.
Comment: The c.2827_2828delGT variant, located in coding exon 18 of the BRIP1 gene, results from a deletion of two nucleotides at nucleotide positions 2827 to 2828, causing a translational frameshift with a predicted alternate stop codon (p.V943Pfs*7). This alteration occurs at the 3' terminus of the BRIP1 gene, is not expected to trigger nonsense-mediated mRNA decay, and only impacts the last 307 amino acids of the protein. The exact functional impact of these removed amino acids is unknown. While the C-terminal region of the BRIP1 protein has been shown by structural, biochemical, and mutational analysis to be relevant for some aspects of BRIP1 protein function (Gong Z et al. Mol. Cell, 2010 Feb;37:438-46; Leung CC et al. J. Biol. Chem. 2011 Feb; 286(6):4292-301; Xie J et al. PLoS Genet. 2012 Jul; 8(7):e1002786), functional studies have shown that truncations in the 3' terminus of BRIP1 display normal function in response to intra-strand cross-linking agents (Calvo JA et al. Mol Cancer Res, 2021 Jun;19:1015-1025). Based on the available evidence, the clinical significance of this variant remains unclear.

NM_032043.3(BRIP1):c.2827_2828del (p.Val943fs)

Gene: BRIP1 (BRCA1 interacting DNA helicase 1; minus strand). Cytogenetic location: 17q23.2.
Variant type: Microsatellite.
Coding change: c.2827_2828del on transcript NM_032043.3 (MANE Select); coding-DNA positions 2827 to 2828, 2 bases deleted (GT; older notation c.2827_2828delGT).
Protein change: p.Val943fs; shifts the reading frame from valine 943.
Molecular consequence: frameshift variant.
Genome position (GRCh38, 1-based): chr17:61,685,913-61,685,914, AC deleted on the plus strand (GT on the coding strand, the reverse complement: BRIP1 is on the minus strand); deleting any 2 consecutive bases within chr17:61,685,913-61,685,917 gives the same sequence; the c. name uses the placement nearest the transcript's 3' end. VCF-style (leftmost placement, unchanged base first): chr17-61685912-GAC-G. GRCh37 (hg19) VCF-style: chr17-59763273-GAC-G.
Other names: short protein forms V943fs.
Identifiers: ClinVar variation 821862 (VCV000821862.5), dbSNP rs1260994999, ClinGen allele CA773771630.